The following is an entry in ClinVar:

NM_000053.4(ATP7B):c.3903+6C>A

Gene: ATP7B (ATPase copper transporting beta; minus strand). Cytogenetic location: 13q14.3.
Variant type: single nucleotide variant.
Coding change: c.3903+6C>A on transcript NM_000053.4 (MANE Select); 6 bases into the intron after coding-DNA position 3903, C replaced by A.
Molecular consequence: intron variant.
Genome position (GRCh38, 1-based): chr13:51,937,470, G>T on the plus strand (C>A on the coding strand, the complement: ATP7B is on the minus strand). VCF-style: chr13-51937470-G-T. GRCh37 (hg19) VCF-style: chr13-52511606-G-T.
Other names: c.3570+6C>A (NM_001243182.2); c.3282+6C>A (NM_001005918.3); c.3651+6C>A (NM_001330579.2); c.3669+6C>A (NM_001330578.2).
Identifiers: ClinVar variation 1944148 (VCV001944148.5), dbSNP rs2282057, ClinGen allele CA2580087706.

ClinVar aggregate classification (germline): Uncertain significance (1 of 4 stars; one submission).

Conditions:
Wilson disease (WND). Also called: Wilson's disease. Identifiers: Orphanet 905, MedGen C0019202, MONDO:0010200, OMIM 277900. Disease mechanism: loss of function.

Submission:

Labcorp Genetics (formerly Invitae), Labcorp
Classification: Uncertain significance for Wilson disease. Last evaluated: 2022-07-03. Review status: criteria provided, single submitter. Criteria: Invitae Variant Classification Sherloc (09022015). Collection method: clinical testing. Allele origin: germline.
Comment: This sequence change falls in intron 18 of the ATP7B gene. It does not directly change the encoded amino acid sequence of the ATP7B protein. It affects a nucleotide within the consensus splice site. This variant is not present in population databases (gnomAD no frequency). This variant has not been reported in the literature in individuals affected with ATP7B-related conditions. Variants that disrupt the consensus splice site are a relatively common cause of aberrant splicing (PMID: 17576681, 9536098). Algorithms developed to predict the effect of sequence changes on RNA splicing suggest that this variant is not likely to affect RNA splicing. In summary, the available evidence is currently insufficient to determine the role of this variant in disease. Therefore, it has been classified as a Variant of Uncertain Significance.

Literature cited by the submitters: PubMed 17576681; PubMed 9536098.